The following is an entry in ClinVar:

NM_198239.2(CCN6):c.346T>C (p.Tyr116His)

Gene: CCN6 (cellular communication network factor 6; plus strand). Cytogenetic location: 6q21.
Variant type: single nucleotide variant.
Coding change: c.346T>C on transcript NM_198239.2 (MANE Select); coding-DNA position 346, T replaced by C.
Protein change: p.Tyr116His; replaces tyrosine 116 with histidine.
Molecular consequence: missense variant. On other transcripts: non-coding transcript variant (2).
Genome position (GRCh38, 1-based): chr6:112,061,288, T>C. VCF-style: chr6-112061288-T-C. GRCh37 (hg19) VCF-style: chr6-112382491-T-C.
Other names: c.346T>C, p.Tyr116His (NM_003880.4); short protein forms Y116H.
Identifiers: ClinVar variation 1680460 (VCV001680460.8), dbSNP rs782066946, ClinGen allele CA3963963.

ClinVar aggregate classification (germline): Uncertain significance (1 of 4 stars; one submission).

Allele frequency attached by ClinVar (database versions not stated): gnomAD 0.00002; TOPMed 0.00002.
gnomAD v4.1: 25 of 1,614,044 alleles (0.0015%); highest among the groups gnomAD compares: African/African-American, 0.0027%; no homozygotes.

Submission:

Labcorp Genetics (formerly Invitae), Labcorp
Classification: Uncertain significance. Last evaluated: 2023-12-01. Review status: criteria provided, single submitter. Criteria: Invitae Variant Classification Sherloc (09022015). Collection method: clinical testing. Allele origin: germline.
Comment: This sequence change replaces tyrosine, which is neutral and polar, with histidine, which is basic and polar, at codon 116 of the WISP3 protein (p.Tyr116His). This variant is present in population databases (rs782066946, gnomAD 0.003%). This variant has not been reported in the literature in individuals affected with WISP3-related conditions. ClinVar contains an entry for this variant (Variation ID: 1680460). Algorithms developed to predict the effect of missense changes on protein structure and function output the following: SIFT: "Not Available"; PolyPhen-2: "Benign"; Align-GVGD: "Not Available". The histidine amino acid residue is found in multiple mammalian species, which suggests that this missense change does not adversely affect protein function. In summary, the available evidence is currently insufficient to determine the role of this variant in disease. Therefore, it has been classified as a Variant of Uncertain Significance.